The following is an entry in ClinVar:

NM_015072.5(TTLL5):c.796C>A (p.His266Asn)

Gene: TTLL5 (tubulin tyrosine ligase like 5; plus strand). Cytogenetic location: 14q24.3.
Variant type: single nucleotide variant.
Coding change: c.796C>A on transcript NM_015072.5 (MANE Select); coding-DNA position 796, C replaced by A.
Protein change: p.His266Asn; replaces histidine 266 with asparagine.
Molecular consequence: missense variant.
Genome position (GRCh38, 1-based): chr14:75,717,916, C>A. VCF-style: chr14-75717916-C-A. GRCh37 (hg19) VCF-style: chr14-76184259-C-A.
Other names: c.796C>A (NM_015072.4); short protein forms H266N.
Identifiers: ClinVar variation 1363842 (VCV001363842.8), dbSNP rs940338882, ClinGen allele CA263689060.

ClinVar aggregate classification (germline): Uncertain significance. Review status: criteria provided, multiple submitters, no conflicts (2 of 4 stars). 3 submissions from 3 submitters: Uncertain significance (3). Last evaluated 2024-11-27.

Conditions:
Inborn genetic diseases. Identifiers: MedGen C0950123, MeSH D030342.

Allele frequency attached by ClinVar (database versions not stated): gnomAD 0.00001; gnomAD exomes 0.00001 and 0.00002; TOPMed 0.00001.
gnomAD v4.1: 6 of 1,613,670 alleles (0.00037%); highest among the groups gnomAD compares: Admixed American, 0.0033%; no homozygotes.

Submissions (3):

Ambry Genetics
Classification: Uncertain significance for Inborn genetic diseases. Last evaluated: 2024-11-27. Review status: criteria provided, single submitter. Criteria: Ambry Variant Classification Scheme 2023. Collection method: clinical testing. Allele origin: germline.

Labcorp Genetics (formerly Invitae), Labcorp
Classification: Uncertain significance. Last evaluated: 2024-01-19. Review status: criteria provided, single submitter. Criteria: Invitae Variant Classification Sherloc (09022015). Collection method: clinical testing. Allele origin: germline.
Comment: This sequence change replaces histidine, which is basic and polar, with asparagine, which is neutral and polar, at codon 266 of the TTLL5 protein (p.His266Asn). This variant is present in population databases (no rsID available, gnomAD 0.009%). This variant has not been reported in the literature in individuals affected with TTLL5-related conditions. ClinVar contains an entry for this variant (Variation ID: 1363842). Advanced modeling of protein sequence and biophysical properties (such as structural, functional, and spatial information, amino acid conservation, physicochemical variation, residue mobility, and thermodynamic stability) performed at Invitae indicates that this missense variant is expected to disrupt TTLL5 protein function with a positive predictive value of 80%. In summary, the available evidence is currently insufficient to determine the role of this variant in disease. Therefore, it has been classified as a Variant of Uncertain Significance.

Blueprint Genetics
Classification: Uncertain significance. Last evaluated: 2022-11-15. Review status: criteria provided, single submitter. Criteria: ACMG Guidelines, 2015. Collection method: clinical testing. Allele origin: germline.